The following is an entry in ClinVar:

ClinVar aggregate classification (germline): Uncertain significance (1 of 4 stars; one submission).

gnomAD v4.1: 1 of 1,614,144 alleles (0.000062%); no homozygotes.

Submission:

GeneDx
Classification: Uncertain significance. Last evaluated: 2024-01-02. Review status: criteria provided, single submitter. Criteria: GeneDx Variant Classification Process June 2021. Collection method: clinical testing. Allele origin: germline. Affected: yes.
Comment: Not observed at significant frequency in large population cohorts (gnomAD); In silico analysis supports that this missense variant has a deleterious effect on protein structure/function; Has not been previously published as pathogenic or benign to our knowledge

NM_024009.3(GJB3):c.439T>C (p.Tyr147His)

Gene: GJB3 (gap junction protein beta 3; plus strand). Cytogenetic location: 1p34.3.
Variant type: single nucleotide variant.
Coding change: c.439T>C on transcript NM_024009.3 (MANE Select); coding-DNA position 439, T replaced by C.
Protein change: p.Tyr147His; replaces tyrosine 147 with histidine.
Molecular consequence: missense variant.
Genome position (GRCh38, 1-based): chr1:34,785,201, T>C. VCF-style: chr1-34785201-T-C. GRCh37 (hg19) VCF-style: chr1-35250802-T-C.
Other names: c.439T>C, p.Tyr147His (NM_001005752.2); short protein forms Y147H.
Identifiers: ClinVar variation 3365928 (VCV003365928.1).